The following is an entry in ClinVar:

NM_006446.5(SLCO1B1):c.411G>A (p.Ser137=)

Gene: SLCO1B1 (solute carrier organic anion transporter family member 1B1; plus strand). Cytogenetic location: 12p12.1.
Variant type: single nucleotide variant.
Coding change: c.411G>A on transcript NM_006446.5 (MANE Select); coding-DNA position 411, G replaced by A.
Protein change: p.Ser137=; no amino-acid change (serine 137 retained).
Molecular consequence: synonymous variant.
Genome position (GRCh38, 1-based): chr12:21,176,827, G>A. VCF-style: chr12-21176827-G-A. GRCh37 (hg19) VCF-style: chr12-21329761-G-A.
Other names: c.411G>A (LRG_1022t1).
Identifiers: ClinVar variation 307936 (VCV000307936.24), dbSNP rs11045818, ClinGen allele CA6476680.

ClinVar aggregate classification (germline): Benign. Review status: criteria provided, multiple submitters, no conflicts (2 of 4 stars). 5 submissions from 5 submitters: Benign (4). 1 of the submissions does not count toward it. Last evaluated 2025-07-24.

Conditions:
SLCO1B1-related disorder. Also called: SLCO1B1-related condition.
Rotor syndrome (HBLRR). Also called: HYPERBILIRUBINEMIA, ROTOR TYPE, DIGENIC; HYPERBILIRUBINEMIA, ROTOR TYPE. Identifiers: Orphanet 3111, MedGen C0220991, MONDO:0009379, OMIM 237450.

Allele frequency attached by ClinVar (database versions not stated): 1000 Genomes Project 0.05172; 1000 Genomes Project 30x 0.05309; gnomAD 0.10656 and 0.11112; TOPMed 0.10777; gnomAD exomes 0.11143; ExAC 0.11278; ESP Exome Variant Server 0.12147.
gnomAD v4.1: 170,433 of 1,505,436 alleles (11%); highest among the groups gnomAD compares: Non-Finnish European, 13%; 11,914 homozygotes.

Submissions (5):

ARUP Laboratories, Molecular Genetics and Genomics, ARUP Laboratories
Classification: Benign for Rotor syndrome. Last evaluated: 2025-07-24. Review status: criteria provided, single submitter. Criteria: ARUP Molecular Germline Variant Investigation Process 2024. Collection method: clinical testing. Allele origin: germline.

GeneDx
Classification: Benign. Last evaluated: 2021-05-04. Review status: criteria provided, single submitter. Criteria: GeneDx Variant Classification Process June 2021. Collection method: clinical testing. Allele origin: germline. Affected: yes.

Illumina Laboratory Services, Illumina
Classification: Benign for Rotor syndrome. Last evaluated: 2018-01-13. Review status: criteria provided, single submitter. Criteria: ICSL Variant Classification Criteria 13 December 2019. Collection method: clinical testing. Allele origin: germline.
Comment: This variant was observed in the ICSL laboratory as part of a predisposition screen in an ostensibly healthy population. It had not been previously curated by ICSL or reported in the Human Gene Mutation Database (HGMD: prior to June 1st, 2018), and was therefore a candidate for classification through an automated scoring system. Utilizing variant allele frequency, disease prevalence and penetrance estimates, and inheritance mode, an automated score was calculated to assess if this variant is too frequent to cause the disease. Based on the score and internal cut-off values, a variant classified as benign is not then subjected to further curation. The score for this variant resulted in a classification of benign for this disease.

Breakthrough Genomics
Classification: Benign. Review status: criteria provided, single submitter. Criteria: ACMG Guidelines, 2015. Collection method: not provided. Allele origin: germline. Inheritance: Autosomal recessive inheritance. Affected: yes.

PreventionGenetics, part of Exact Sciences
Classification: Likely benign for SLCO1B1-related condition. Last evaluated: 2021-07-21. Review status: no assertion criteria provided. Collection method: clinical testing. Allele origin: germline. Not counted in ClinVar's aggregate classification.
Comment: This variant is classified as likely benign based on ACMG/AMP sequence variant interpretation guidelines (Richards et al. 2015 PMID: 25741868, with internal and published modifications).